The following is an entry in ClinVar:

NM_004304.5(ALK):c.27C>G (p.Leu9=)

Gene: ALK (ALK receptor tyrosine kinase; minus strand). Cytogenetic location: 2p23.1.
Variant type: single nucleotide variant.
Coding change: c.27C>G on transcript NM_004304.5 (MANE Select); coding-DNA position 27, C replaced by G.
Protein change: p.Leu9=; no amino-acid change (leucine 9 retained).
Molecular consequence: synonymous variant.
Genome position (GRCh38, 1-based): chr2:29,920,633, G>C on the plus strand (C>G on the coding strand, the complement: ALK is on the minus strand). VCF-style: chr2-29920633-G-C. GRCh37 (hg19) VCF-style: chr2-30143499-G-C.
Other names: p.Leu9=.
Identifiers: ClinVar variation 259269 (VCV000259269.26), dbSNP rs4358080, ClinGen allele CA1595072.

ClinVar aggregate classification (germline): Benign. Review status: criteria provided, multiple submitters, no conflicts (2 of 4 stars). 13 submissions from 13 submitters: Benign (12). 1 of the submissions does not count toward it. Last evaluated 2026-02-04.

Conditions:
Hereditary cancer-predisposing syndrome. Also called: Tumor predisposition; Hereditary neoplastic syndrome; Hereditary Cancer Syndrome; Neoplastic Syndromes, Hereditary. Identifiers: Orphanet 140162, MedGen C0027672, MeSH D009386, MONDO:0015356.
Neuroblastoma, susceptibility to, 3. Also called: ALK-Related Neuroblastic Tumor Susceptibility. Identifiers: Orphanet 635, MedGen C2751681, MONDO:0013083, OMIM 613014.

Allele frequency attached by ClinVar (database versions not stated): gnomAD 0.88526 and 0.88756; 1000 Genomes Project 30x 0.89085; TOPMed 0.89122; 1000 Genomes Project 0.89377; ExAC 0.89495; gnomAD exomes 0.90663 and 0.90757; ESP Exome Variant Server 0.90929.
gnomAD v4.1: 1,396,095 of 1,541,888 alleles (91%); highest among the groups gnomAD compares: East Asian, 100%; 632,759 homozygotes.

Submissions (13):

Labcorp Genetics (formerly Invitae), Labcorp
Classification: Benign for Neuroblastoma, susceptibility to, 3. Last evaluated: 2026-02-04. Review status: criteria provided, single submitter. Criteria: Invitae Variant Classification Sherloc (09022015). Collection method: clinical testing. Allele origin: germline.

Blueprint Genetics
Classification: Benign. Last evaluated: 2024-11-26. Review status: criteria provided, single submitter. Criteria: ACMG Guidelines, 2015. Collection method: clinical testing. Allele origin: germline.

KCCC/NGS Laboratory, Kuwait Cancer Control Center
Classification: Benign for Neuroblastoma, susceptibility to, 3. Last evaluated: 2023-07-07. Review status: criteria provided, single submitter. Criteria: ACMG Guidelines, 2015. Collection method: clinical testing. Allele origin: germline. Affected: yes.

Mayo Clinic Laboratories, Mayo Clinic
Classification: Benign. Last evaluated: 2022-03-03. Review status: criteria provided, single submitter. Criteria: ACMG Guidelines, 2015. Collection method: clinical testing. Allele origin: germline. Observed: 268 variant alleles.

Illumina Laboratory Services, Illumina
Classification: Benign for Neuroblastoma, susceptibility to, 3. Last evaluated: 2018-01-13. Review status: criteria provided, single submitter. Criteria: ICSL Variant Classification Criteria 13 December 2019. Collection method: clinical testing. Allele origin: germline.
Comment: This variant was observed in the ICSL laboratory as part of a predisposition screen in an ostensibly healthy population. It had not been previously curated by ICSL or reported in the Human Gene Mutation Database (HGMD: prior to June 1st, 2018), and was therefore a candidate for classification through an automated scoring system. Utilizing variant allele frequency, disease prevalence and penetrance estimates, and inheritance mode, an automated score was calculated to assess if this variant is too frequent to cause the disease. Based on the score and internal cut-off values, a variant classified as benign is not then subjected to further curation. The score for this variant resulted in a classification of benign for this disease.

Ambry Genetics
Classification: Benign for Hereditary cancer-predisposing syndrome. Last evaluated: 2016-12-08. Review status: criteria provided, single submitter. Criteria: Ambry Variant Classification Scheme 2023. Collection method: clinical testing. Allele origin: germline.

Women's Health and Genetics/Laboratory Corporation of America, LabCorp
Classification: Benign. Last evaluated: 2016-04-27. Review status: criteria provided, single submitter. Criteria: LabCorp Variant Classification Summary - May 2015. Collection method: clinical testing. Allele origin: germline.
Comment: Variant summary: The c.27C>G variant affects a non-conserved nucleotide, resulting in no amino acid change. 5/5 splice-site tools in Alamut predict no effect on normal splicing. This variant is found in 20199/22570 control chromosomes (9031 homozygotes) at a frequency of 0.894949, which is about 2147877 times of the maximal expected frequency of a pathogenic allele (0.0000004), suggesting this variant to be the ancestral allele; therefore it is classified as Benign.

Laboratory for Molecular Medicine, Mass General Brigham Personalized Medicine
Classification: Benign. Last evaluated: 2016-03-29. Review status: criteria provided, single submitter. Criteria: LMM Criteria. Collection method: clinical testing. Allele origin: germline.
Comment: Variant identified in a genome or exome case(s) and assessed due to predicted null impact of the variant or pathogenic assertions in the literature or databases. Disclaimer: This variant has not undergone full assessment. The following are preliminary notes: Frequency

GeneDx
Classification: Benign. Last evaluated: 2016-03-02. Review status: criteria provided, single submitter. Criteria: GeneDx Variant Classification (06012015). Collection method: clinical testing. Allele origin: germline. Affected: yes.
Comment: This variant is considered likely benign or benign based on one or more of the following criteria: it is a conservative change, it occurs at a poorly conserved position in the protein, it is predicted to be benign by multiple in silico algorithms, and/or has population frequency not consistent with disease.

Clinical Genetics DNA and cytogenetics Diagnostics Lab, Erasmus MC, Erasmus Medical Center
Classification: Benign for Neuroblastoma, susceptibility to, 3. Last evaluated: 2015-09-21. Review status: criteria provided, single submitter. Criteria: ACGS Guidelines, 2013. Collection method: clinical testing. Allele origin: germline. Affected: yes. Study: VKGL Data-share Consensus.

Breakthrough Genomics
Classification: Benign. Review status: criteria provided, single submitter. Criteria: ACMG Guidelines, 2015. Collection method: not provided. Allele origin: germline. Inheritance: Unknown mechanism. Affected: yes.

PreventionGenetics, part of Exact Sciences
Classification: Benign. Review status: criteria provided, single submitter. Criteria: ACMG Guidelines, 2015. Collection method: clinical testing. Allele origin: germline.

Diagnostic Laboratory, Department of Genetics, University Medical Center Groningen
Classification: Benign for Neuroblastoma, susceptibility to, 3. Review status: no assertion criteria provided. Collection method: clinical testing. Allele origin: germline. Affected: yes. Study: VKGL Data-share Consensus. Not counted in ClinVar's aggregate classification.